The following is an entry in ClinVar:

ClinVar aggregate classification (germline): Likely pathogenic (1 of 4 stars; one submission).

Conditions:
Hereditary spastic paraplegia 15 (SPG15). Also called: SPASTIC PARAPLEGIA 15, AUTOSOMAL RECESSIVE; KJELLIN SYNDROME; SPASTIC PARAPLEGIA AND RETINAL DEGENERATION. Identifiers: Orphanet 100996, MedGen C1849128, MONDO:0010044, OMIM 270700.

Submission:

Myriad Genetics, Inc.
Classification: Likely pathogenic for Hereditary spastic paraplegia 15. Last evaluated: 2022-03-05. Review status: criteria provided, single submitter. Criteria: Myriad Women's Health Autosomal Recessive and X-Linked Classification Criteria (2021). Collection method: clinical testing. Allele origin: unknown.
Comment: NM_015346.3(ZFYVE26):c.1574_1575insG(D526Rfs*5) is expected to be pathogenic in the context of spastic paraplegia type 15. This variant is predicted to lead to an abnormal or absent protein product due to the creation of a premature termination codon in ZFYVE26, a gene where loss-of-function variants are known to be pathogenic. Please note: this variant was assessed in the context of healthy population screening.

NM_015346.4(ZFYVE26):c.1574_1575insG (p.Asp526fs)

Gene: ZFYVE26 (zinc finger FYVE-type containing 26; minus strand). Cytogenetic location: 14q24.1.
Variant type: Insertion.
Coding change: c.1574_1575insG on transcript NM_015346.4 (MANE Select); coding-DNA positions 1574 to 1575, G inserted.
Protein change: p.Asp526fs; shifts the reading frame from aspartic acid 526.
Molecular consequence: frameshift variant.
Genome position: GRCh38 VCF-style: chr14-67802143-T-TC. GRCh37 (hg19) VCF-style: chr14-68268860-T-TC.
Other names: short protein forms D526fs.
Identifiers: ClinVar variation 1725032 (VCV001725032.2), dbSNP rs2502866799, ClinGen allele CA2580088651.
Genomic context (GRCh38, chr14:67,802,143, plus strand): 5'-GGAGGAGAGAGAGTCATTCGCTGGCTCTGTAGCTGAGGCCAGGTCCTCAGAGAGGCTGTC[T>TC]TTGCAGTCCTGGCACTGGGAGTGCTGGTGTGAGTTTACACAGAGGGCATAGATGGCATAC-3'